The following is an entry in ClinVar:

ClinVar aggregate classification (germline): Conflicting classifications of pathogenicity. Review status: criteria provided, conflicting classifications (1 of 4 stars). 5 submissions from 5 submitters: Uncertain significance (4); Likely benign (1). Last evaluated 2022-08-16.

Conditions:
Bethlem myopathy 1A. Also called: MYOPATHY, BENIGN CONGENITAL, WITH CONTRACTURES; Bethlem myopathy 1; Bethlem Muscular Dystrophy. Identifiers: Orphanet 610, MedGen CN029274, MONDO:0024530, OMIM 158810.

Allele frequency attached by ClinVar (database versions not stated): gnomAD 0.00001 and 0.00003; TOPMed 0.00001; gnomAD exomes 0.00003 and 0.00010; ESP Exome Variant Server 0.00008; ExAC 0.00019; 1000 Genomes Project 30x 0.00031; 1000 Genomes Project 0.00040.
gnomAD v4.1: 44 of 1,612,908 alleles (0.0027%); highest among the groups gnomAD compares: East Asian, 0.0045%; 1 homozygote.

Submissions (5):

Labcorp Genetics (formerly Invitae), Labcorp
Classification: Likely benign for Bethlem myopathy 1A. Last evaluated: 2022-08-16. Review status: criteria provided, single submitter. Criteria: Invitae Variant Classification Sherloc (09022015). Collection method: clinical testing. Allele origin: germline.

GeneDx
Classification: Uncertain significance. Last evaluated: 2019-05-24. Review status: criteria provided, single submitter. Criteria: GeneDx Variant Classification Process June 2021. Collection method: clinical testing. Allele origin: germline. Affected: yes.
Comment: In silico analysis, which includes protein predictors and evolutionary conservation, supports that this variant does not alter protein structure/function; Has not been previously published as pathogenic or benign to our knowledge

Revvity Omics, Revvity
Classification: Uncertain significance. Last evaluated: 2019-02-15. Review status: criteria provided, single submitter. Criteria: ACMG Guidelines, 2015. Collection method: clinical testing. Allele origin: germline.

CeGaT Center for Human Genetics Tuebingen
Classification: Uncertain significance. Last evaluated: 2017-02-01. Review status: criteria provided, single submitter. Criteria: CeGaT Center For Human Genetics Tuebingen Variant Classification Criteria Version 2. Collection method: clinical testing. Allele origin: germline. Affected: yes. Observed: 1 variant allele.

Eurofins Ntd Llc (ga)
Classification: Uncertain significance. Last evaluated: 2016-06-06. Review status: criteria provided, single submitter. Criteria: EGL Classification Definitions 2015. Collection method: clinical testing. Allele origin: germline. Observed: 1 variant allele, 1 heterozygote.

NM_001849.4(COL6A2):c.2002G>A (p.Glu668Lys)

Gene: COL6A2 (collagen type VI alpha 2 chain; plus strand). Cytogenetic location: 21q22.3.
Variant type: single nucleotide variant.
Coding change: c.2002G>A on transcript NM_001849.4 (MANE Select); coding-DNA position 2002, G replaced by A.
Protein change: p.Glu668Lys; replaces glutamic acid 668 with lysine.
Molecular consequence: missense variant.
Genome position (GRCh38, 1-based): chr21:46,125,817, G>A. VCF-style: chr21-46125817-G-A. GRCh37 (hg19) VCF-style: chr21-47545731-G-A.
Other names: p.E668K:GAG>AAG; c.2002G>A, p.Glu668Lys (NM_058174.3, NM_058175.3); short protein forms E668K.
Identifiers: ClinVar variation 162537 (VCV000162537.59), dbSNP rs138948335, ClinGen allele CA295279.
Genomic context (GRCh38, chr21:46,125,817, plus strand): 5'-GCAACGACCTCACGCGTGCGGCTTGCAGGGACGCGTGTGGGCGTGGTGCAGTACAGCCAC[G>A]AGGGCACCTTTGAGGCCATCCAGCTGGACGACGAACGTATCGACTCCCTGTCGAGCTTCA-3'
Protein context (NP_001840.3, residues 658-678): TRVGVVQYSH[Glu668Lys]GTFEAIQLDD